The following is an entry in ClinVar:

NM_000048.4(ASL):c.979-3C>T

Gene: ASL (argininosuccinate lyase; plus strand). Cytogenetic location: 7q11.21.
Variant type: single nucleotide variant.
Coding change: c.979-3C>T on transcript NM_000048.4 (MANE Select); 3 bases into the intron before coding-DNA position 979, C replaced by T.
Molecular consequence: intron variant.
Genome position (GRCh38, 1-based): chr7:66,089,609, C>T. VCF-style: chr7-66089609-C-T. GRCh37 (hg19) VCF-style: chr7-65554596-C-T.
Other names: c.979-3C>T (NM_001024943.2); c.919-3C>T (NM_001024944.2); c.901-3C>T (NM_001024946.2).
Identifiers: ClinVar variation 2202668 (VCV002202668.1), dbSNP rs748972501, ClinGen allele CA4277242.
Genomic context (GRCh38, chr7:66,089,609, plus strand): 5'-GCTGTGGGGACCCTGGGTGCCAGGGGGCTGCTAGGCCCTCACCTCCTGCCATGTGCCTCC[C>T]AGGAGGACAAGGAAGCTGTGTTTGAAGTGTCAGACACTATGAGTGCCGTGCTCCAGGTGG-3'

ClinVar aggregate classification (germline): Uncertain significance (1 of 4 stars; one submission).

Conditions:
Argininosuccinate lyase deficiency. Also called: Argininosuccinic aciduria; ARGININOSUCCINIC ACID LYASE DEFICIENCY; ASL DEFICIENCY. Identifiers: Orphanet 23, MedGen C0268547, MONDO:0008815, OMIM 207900, HP:0025630.

Allele frequency attached by ClinVar (database versions not stated): ExAC 0.00001; gnomAD exomes 0.00001; gnomAD 0.00002; TOPMed 0.00003.
gnomAD v4.1: 20 of 1,613,466 alleles (0.0012%); highest among the groups gnomAD compares: Admixed American, 0.005%; no homozygotes.

Submission:

Labcorp Genetics (formerly Invitae), Labcorp
Classification: Uncertain significance for Argininosuccinate lyase deficiency. Last evaluated: 2022-03-04. Review status: criteria provided, single submitter. Criteria: Invitae Variant Classification Sherloc (09022015). Collection method: clinical testing. Allele origin: germline.
Comment: This sequence change falls in intron 13 of the ASL gene. It does not directly change the encoded amino acid sequence of the ASL protein. It affects a nucleotide within the consensus splice site. This variant is present in population databases (rs748972501, gnomAD 0.004%). This variant has not been reported in the literature in individuals affected with ASL-related conditions. Variants that disrupt the consensus splice site are a relatively common cause of aberrant splicing (PMID: 17576681, 9536098). Algorithms developed to predict the effect of sequence changes on RNA splicing suggest that this variant is not likely to affect RNA splicing. In summary, the available evidence is currently insufficient to determine the role of this variant in disease. Therefore, it has been classified as a Variant of Uncertain Significance.

Literature cited by the submitters: PubMed 17576681; PubMed 9536098.